The following is an entry in ClinVar:

ClinVar aggregate classification (germline): Uncertain significance (1 of 4 stars; one submission).

Allele frequency attached by ClinVar (database versions not stated): gnomAD exomes below 0.00001.
gnomAD v4.1: 7 of 1,614,122 alleles (0.00043%); highest among the groups gnomAD compares: Middle Eastern, 0.033%; no homozygotes.

Submission:

Labcorp Genetics (formerly Invitae), Labcorp
Classification: Uncertain significance. Last evaluated: 2024-01-24. Review status: criteria provided, single submitter. Criteria: Invitae Variant Classification Sherloc (09022015). Collection method: clinical testing. Allele origin: germline.
Comment: This sequence change replaces serine, which is neutral and polar, with leucine, which is neutral and non-polar, at codon 1443 of the SON protein (p.Ser1443Leu). This variant is present in population databases (rs761310962, gnomAD 0.006%). This variant has not been reported in the literature in individuals affected with SON-related conditions. ClinVar contains an entry for this variant (Variation ID: 1916032). An algorithm developed to predict the effect of missense changes on protein structure and function (PolyPhen-2) suggests that this variant is likely to be disruptive. In summary, the available evidence is currently insufficient to determine the role of this variant in disease. Therefore, it has been classified as a Variant of Uncertain Significance.

NM_138927.4(SON):c.4328C>T (p.Ser1443Leu)

Gene: SON (SON DNA and RNA binding protein; plus strand). Cytogenetic location: 21q22.11.
Variant type: single nucleotide variant.
Coding change: c.4328C>T on transcript NM_138927.4 (MANE Select); coding-DNA position 4328, C replaced by T.
Protein change: p.Ser1443Leu; replaces serine 1443 with leucine.
Molecular consequence: missense variant. On other transcripts: non-coding transcript variant (1), intron variant (1).
Genome position (GRCh38, 1-based): chr21:33,553,559, C>T. VCF-style: chr21-33553559-C-T. GRCh37 (hg19) VCF-style: chr21-34925865-C-T.
Other names: c.4328C>T, p.Ser1443Leu (NM_001291411.2, NM_001412133.1, NM_032195.3 and 2 more transcripts); c.245-3597C>T (NM_001291412.3); short protein forms S1443L.
Identifiers: ClinVar variation 1916032 (VCV001916032.5), dbSNP rs761310962, ClinGen allele CA10009507.